The following is an entry in ClinVar:

NM_001365088.1(SLC12A6):c.2802+6T>C

Gene: SLC12A6 (solute carrier family 12 member 6; minus strand). Cytogenetic location: 15q14.
Variant type: single nucleotide variant.
Coding change: c.2802+6T>C on transcript NM_001365088.1 (MANE Select); 6 bases into the intron after coding-DNA position 2802, T replaced by C.
Molecular consequence: intron variant.
Genome position (GRCh38, 1-based): chr15:34,238,226, A>G on the plus strand (T>C on the coding strand, the complement: SLC12A6 is on the minus strand). VCF-style: chr15-34238226-A-G. GRCh37 (hg19) VCF-style: chr15-34530427-A-G.
Other names: c.2625+6T>C (NM_001042495.2, NM_001042494.2); c.2775+6T>C (NM_001042496.2); c.2757+6T>C (NM_001042497.2); c.2802+6T>C (NM_133647.2); c.2649+6T>C (NM_005135.2).
Identifiers: ClinVar variation 2228100 (VCV002228100.2), dbSNP rs2509752851, ClinGen allele CA2580089273.

ClinVar aggregate classification (germline): Uncertain significance (1 of 4 stars; one submission).

Conditions:
Inborn genetic diseases. Identifiers: MedGen C0950123, MeSH D030342.

Submission:

Ambry Genetics
Classification: Uncertain significance for Inborn genetic diseases. Last evaluated: 2020-11-23. Review status: criteria provided, single submitter. Criteria: Ambry Variant Classification Scheme 2023. Collection method: clinical testing. Allele origin: germline.
Comment: The c.2802+6T>C intronic alteration consists of a T to C substitution nucleotides after coding exon 20 in the SLC12A6 gene. Based on insufficient or conflicting evidence, the clinical significance of this alteration remains unclear.